The following is an entry in ClinVar:

ClinVar aggregate classification (germline): Benign/Likely benign. Review status: criteria provided, multiple submitters, no conflicts (2 of 4 stars). 6 submissions from 6 submitters: Benign (4); Likely benign (2). Last evaluated 2026-01-28.

Conditions:
Xanthinuria type II. Also called: Xanthine dehydrogenase and aldehyde oxidase combined deficiency of; XDH and AOX dual deficiency. Identifiers: Orphanet 3467, Orphanet 93602, MedGen C1863688, MONDO:0011346, OMIM 603592.
Hereditary xanthinuria type 1 (XAN1). Identifiers: Orphanet 3467, Orphanet 93601, MedGen C0268118, MONDO:0010209, OMIM 278300.

Allele frequency attached by ClinVar (database versions not stated): ExAC 0.00648; gnomAD 0.02021 and 0.02155; 1000 Genomes Project 0.02157; ESP Exome Variant Server 0.02268; TOPMed 0.02365; 1000 Genomes Project 30x 0.02405.
gnomAD v4.1: 6,523 of 1,614,144 alleles (0.4%); highest among the groups gnomAD compares: African/African-American, 7.1%; 206 homozygotes.

Submissions (6):

Labcorp Genetics (formerly Invitae), Labcorp
Classification: Benign for Xanthinuria type II. Last evaluated: 2026-01-28. Review status: criteria provided, single submitter. Criteria: Invitae Variant Classification Sherloc (09022015). Collection method: clinical testing. Allele origin: germline.

Mayo Clinic Laboratories, Mayo Clinic
Classification: Benign. Last evaluated: 2022-10-30. Review status: criteria provided, single submitter. Criteria: ACMG Guidelines, 2015. Collection method: clinical testing. Allele origin: germline. Observed: 4 variant alleles.

Genome-Nilou Lab
Classification: Benign for Hereditary xanthinuria type 1. Last evaluated: 2021-12-05. Review status: criteria provided, single submitter. Criteria: ACMG Guidelines, 2015. Collection method: clinical testing. Allele origin: germline. Affected: no.

GeneDx
Classification: Benign. Last evaluated: 2021-05-06. Review status: criteria provided, single submitter. Criteria: GeneDx Variant Classification Process June 2021. Collection method: clinical testing. Allele origin: germline. Affected: yes.

Illumina Laboratory Services, Illumina
Classification: Likely benign for Hereditary xanthinuria type 1. Last evaluated: 2017-04-27. Review status: criteria provided, single submitter. Criteria: ICSL Variant Classification Criteria 13 December 2019. Collection method: clinical testing. Allele origin: germline.
Comment: This variant was observed as part of a predisposition screen in an ostensibly healthy population. A literature search was performed for the gene, cDNA change, and amino acid change (where applicable). No publications were found based on this search. Allele frequency data from public databases allowed determination this variant is unlikely to cause disease. Therefore, this variant is classified as likely benign.

Breakthrough Genomics
Classification: Likely benign. Review status: criteria provided, single submitter. Criteria: ACMG Guidelines, 2015. Collection method: not provided. Allele origin: germline. Inheritance: Autosomal recessive inheritance. Affected: yes.

NM_000379.4(XDH):c.1184A>T (p.Lys395Met)

Gene: XDH (xanthine dehydrogenase; minus strand). Cytogenetic location: 2p23.1.
Variant type: single nucleotide variant.
Coding change: c.1184A>T on transcript NM_000379.4 (MANE Select); coding-DNA position 1184, A replaced by T.
Protein change: p.Lys395Met; replaces lysine 395 with methionine.
Molecular consequence: missense variant.
Genome position (GRCh38, 1-based): chr2:31,379,925, T>A on the plus strand (A>T on the coding strand, the complement: XDH is on the minus strand). VCF-style: chr2-31379925-T-A. GRCh37 (hg19) VCF-style: chr2-31602791-T-A.
Other names: short protein forms K395M.
Identifiers: ClinVar variation 335791 (VCV000335791.20), dbSNP rs34929837, ClinGen allele CA1599319.